The following is an entry in ClinVar:

NM_001127644.2(GABRA1):c.781T>C (p.Cys261Arg)

Gene: GABRA1 (gamma-aminobutyric acid type A receptor subunit alpha1; plus strand). Cytogenetic location: 5q34.
Variant type: single nucleotide variant.
Coding change: c.781T>C on transcript NM_001127644.2 (MANE Select); coding-DNA position 781, T replaced by C.
Protein change: p.Cys261Arg; replaces cysteine 261 with arginine.
Molecular consequence: missense variant.
Genome position (GRCh38, 1-based): chr5:161,890,975, T>C. VCF-style: chr5-161890975-T-C. GRCh37 (hg19) VCF-style: chr5-161317981-T-C.
Other names: c.781T>C, p.Cys261Arg (NM_000806.5, NM_001127643.2, NM_001127645.2 and 1 more transcripts); short protein forms C261R.
Identifiers: ClinVar variation 1696503 (VCV001696503.7), dbSNP rs2113446513, ClinGen allele CA362179889.

ClinVar aggregate classification (germline): Uncertain significance. Review status: criteria provided, multiple submitters, no conflicts (2 of 4 stars). 2 submissions from 2 submitters: Uncertain significance (2). Last evaluated 2023-07-14.

Conditions:
Developmental and epileptic encephalopathy, 19 (DEE19). Also called: Epileptic encephalopathy, early infantile, 19. Identifiers: Orphanet 33069, MedGen C3810400, MONDO:0014328, OMIM 615744.

Submissions (2):

GeneDx
Classification: Uncertain significance. Last evaluated: 2023-07-14. Review status: criteria provided, single submitter. Criteria: GeneDx Variant Classification Process June 2021. Collection method: clinical testing. Allele origin: germline.
Comment: Not observed at significant frequency in large population cohorts (gnomAD); In silico analysis supports that this missense variant has a deleterious effect on protein structure/function; Has not been previously published as pathogenic or benign to our knowledge

New York Genome Center
Classification: Uncertain significance for Developmental and epileptic encephalopathy, 19. Last evaluated: 2021-07-09. Review status: criteria provided, single submitter. Criteria: NYGC Assertion Criteria 2020. Collection method: clinical testing. Allele origin: inherited. Observed: 1 heterozygote. Study: CSER-NYCKidSeq.
Comment: The inherited c.781T>C (p.Cys261Arg) variant identified in the GABRA1 gene substitutes a well conserved Cysteine for Arginine at amino acid 261/457 (exon 8/10). This variant is absent from gnomAD(v3.1.1) suggesting it is not a common benign variant in the populations represented in that database. In silico algorithms predict this variant to be Damaging (SIFT; score:0.00) and Pathogenic (REVEL; score:0.9459) to the function of the canonical transcript. The p.Cys261 residue is within the first helical transmembrane domain of GABRA1 (UniProtKB:P14867) which spans amino acids 252-273. While the c.781T>C (p.Cys261Arg) variant identified in this individual is not present in ClinVar, several other missense variants within this domain are reported as Pathogenic or Likely Pathogenic (VarID:982025, 813796, 280804, 950574, 985886). To our current knowledge this variant has not been reported in affected individuals in the literature. Given the lack of compelling evidence for its pathogenicity, the inherited c.781T>C (p.Cys261Arg) variant identified in the GABRA1 gene is reported as a Variant of Uncertain Significance.